The following is an entry in ClinVar:

ClinVar aggregate classification (germline): Uncertain significance (1 of 4 stars; one submission).

Conditions:
Gorlin syndrome. Also called: Basal cell nevus syndrome; Nevoid Basal Cell Carcinoma Syndrome. Identifiers: Orphanet 377, MedGen C0004779, MONDO:0007187.

Allele frequency attached by ClinVar (database versions not stated): gnomAD 0.00002; TOPMed 0.00003.
gnomAD v4.1: 6 of 1,614,014 alleles (0.00037%); highest among the groups gnomAD compares: African/African-American, 0.008%; no homozygotes.

Submission:

Labcorp Genetics (formerly Invitae), Labcorp
Classification: Uncertain significance for Gorlin syndrome. Last evaluated: 2023-03-14. Review status: criteria provided, single submitter. Criteria: Invitae Variant Classification Sherloc (09022015). Collection method: clinical testing. Allele origin: germline.
Comment: In summary, the available evidence is currently insufficient to determine the role of this variant in disease. Therefore, it has been classified as a Variant of Uncertain Significance. Advanced modeling of protein sequence and biophysical properties (such as structural, functional, and spatial information, amino acid conservation, physicochemical variation, residue mobility, and thermodynamic stability) performed at Invitae indicates that this missense variant is not expected to disrupt PTCH2 protein function. This variant has not been reported in the literature in individuals affected with PTCH2-related conditions. This variant is present in population databases (no rsID available, gnomAD 0.007%). This sequence change replaces methionine, which is neutral and non-polar, with arginine, which is basic and polar, at codon 302 of the PTCH2 protein (p.Met302Arg).

NM_003738.5(PTCH2):c.905T>G (p.Met302Arg)

Gene: PTCH2 (patched 2; minus strand). Cytogenetic location: 1p34.1.
Variant type: single nucleotide variant.
Coding change: c.905T>G on transcript NM_003738.5 (MANE Select); coding-DNA position 905, T replaced by G.
Protein change: p.Met302Arg; replaces methionine 302 with arginine.
Molecular consequence: missense variant.
Genome position (GRCh38, 1-based): chr1:44,829,939, A>C on the plus strand (T>G on the coding strand, the complement: PTCH2 is on the minus strand). VCF-style: chr1-44829939-A-C. GRCh37 (hg19) VCF-style: chr1-45295611-A-C.
Other names: c.905T>G, p.Met302Arg (NM_001166292.2); short protein forms M302R.
Identifiers: ClinVar variation 2741601 (VCV002741601.3), dbSNP rs1017961624, ClinGen allele CA21747875.